The following is an entry in ClinVar:

ClinVar aggregate classification (germline): Benign/Likely benign. Review status: criteria provided, multiple submitters, no conflicts (2 of 4 stars). 4 submissions from 4 submitters: Benign (2); Likely benign (1). 1 of the submissions does not count toward it. Last evaluated 2026-01-27.

Conditions:
KATNIP-related disorder. Also called: KATNIP-related condition.

Allele frequency attached by ClinVar (database versions not stated): gnomAD exomes 0.00044 and 0.00117; ExAC 0.00146; ESP Exome Variant Server 0.00423; gnomAD 0.00464 and 0.00505; TOPMed 0.00496; 1000 Genomes Project 0.00659; 1000 Genomes Project 30x 0.00687.

Submissions (4):

Labcorp Genetics (formerly Invitae), Labcorp
Classification: Benign. Last evaluated: 2026-01-27. Review status: criteria provided, single submitter. Criteria: Invitae Variant Classification Sherloc (09022015). Collection method: clinical testing. Allele origin: germline.

Blueprint Genetics
Classification: Likely benign. Last evaluated: 2024-10-16. Review status: criteria provided, single submitter. Criteria: ACMG Guidelines, 2015. Collection method: clinical testing. Allele origin: germline.

Breakthrough Genomics
Classification: Benign. Review status: criteria provided, single submitter. Criteria: ACMG Guidelines, 2015. Collection method: not provided. Allele origin: germline. Inheritance: Autosomal recessive inheritance. Affected: yes.

PreventionGenetics, part of Exact Sciences
Classification: Benign for KATNIP-related condition. Last evaluated: 2019-09-05. Review status: no assertion criteria provided. Collection method: clinical testing. Allele origin: germline. Not counted in ClinVar's aggregate classification.
Comment: This variant is classified as benign based on ACMG/AMP sequence variant interpretation guidelines (Richards et al. 2015 PMID: 25741868, with internal and published modifications).

NM_015202.5(KATNIP):c.3561G>A (p.Glu1187=)

Gene: KATNIP (katanin interacting protein; plus strand). Cytogenetic location: 16p12.1.
Variant type: single nucleotide variant.
Coding change: c.3561G>A on transcript NM_015202.5 (MANE Select); coding-DNA position 3561, G replaced by A.
Protein change: p.Glu1187=; no amino-acid change (glutamic acid 1187 retained).
Molecular consequence: synonymous variant.
Genome position (GRCh38, 1-based): chr16:27,754,181, G>A. VCF-style: chr16-27754181-G-A. GRCh37 (hg19) VCF-style: chr16-27765502-G-A.
Other names: c.3561G>A (NM_015202.3).
Identifiers: ClinVar variation 734064 (VCV000734064.14), dbSNP rs61740368, ClinGen allele CA7978306.